The following is an entry in ClinVar:

NM_001354604.2(MITF):c.1396G>A (p.Glu466Lys)

Gene: MITF (melanocyte inducing transcription factor; plus strand). Cytogenetic location: 3p13.
Variant type: single nucleotide variant.
Coding change: c.1396G>A on transcript NM_001354604.2 (MANE Select); coding-DNA position 1396, G replaced by A.
Protein change: p.Glu466Lys; replaces glutamic acid 466 with lysine.
Molecular consequence: missense variant.
Genome position (GRCh38, 1-based): chr3:69,965,063, G>A. VCF-style: chr3-69965063-G-A. GRCh37 (hg19) VCF-style: chr3-70014214-G-A.
Other names: c.1075G>A, p.Glu359Lys (NM_000248.4); c.1222G>A, p.Glu408Lys (NM_001184967.2, NM_001354608.2); c.1393G>A, p.Glu465Lys (NM_001354605.2); c.1375G>A, p.Glu459Lys (NM_001354606.2, NM_006722.3); c.1327G>A, p.Glu443Lys (NM_001354607.2); c.1057G>A, p.Glu353Lys (NM_198158.3); c.1378G>A, p.Glu460Lys (NM_198159.3); c.1330G>A, p.Glu444Lys (NM_198177.3); and 1 more; short protein forms E459K, E460K, E353K, E359K, E443K, E297K, E408K, E444K.
Identifiers: ClinVar variation 900477 (VCV000900477.11), dbSNP rs150995386, ClinGen allele CA2490657.

ClinVar aggregate classification (germline): Conflicting classifications of pathogenicity. Review status: criteria provided, conflicting classifications (1 of 4 stars). 4 submissions from 3 submitters: Uncertain significance (2); Benign (1); Likely benign (1). Last evaluated 2025-12-31.

Conditions:
Waardenburg syndrome type 2A (WS2A). Also called: WAARDENBURG SYNDROME WITHOUT DYSTOPIA CANTHORUM. Identifiers: Orphanet 3440, MedGen C1860339, MONDO:0008671, OMIM 193510.
Tietz syndrome (TADS). Also called: ALBINISM-DEAFNESS OF TIETZ; HYPOPIGMENTATION/DEAFNESS OF TIETZ; TIETZ ALBINISM-DEAFNESS SYNDROME. Identifiers: Orphanet 42665, MedGen C0391816, MONDO:0007077, OMIM 103500.
Melanoma, cutaneous malignant, susceptibility to, 8. Also called: MELANOMA AND RENAL CELL CARCINOMA, SUSCEPTIBILITY TO; Cutaneous malignant melanoma 8. Identifiers: Orphanet 293822, MedGen C3152204, MONDO:0013759, OMIM 614456.

Allele frequency attached by ClinVar (database versions not stated): gnomAD 0.00002 and 0.00003; TOPMed 0.00003; 1000 Genomes Project 30x 0.00016; 1000 Genomes Project 0.00020.
gnomAD v4.1: 53 of 1,614,120 alleles (0.0033%); highest among the groups gnomAD compares: Middle Eastern, 0.066%; no homozygotes.

Submissions (4):

Labcorp Genetics (formerly Invitae), Labcorp
Classification: Uncertain significance for Melanoma, cutaneous malignant, susceptibility to, 8; Waardenburg syndrome type 2A; Tietz syndrome. Last evaluated: 2025-12-31. Review status: criteria provided, single submitter. Criteria: Invitae Variant Classification Sherloc (09022015). Collection method: clinical testing. Allele origin: germline.
Comment: This sequence change replaces glutamic acid, which is acidic and polar, with lysine, which is basic and polar, at codon 359 of the MITF protein (p.Glu359Lys). This variant is present in population databases (rs150995386, gnomAD 0.006%). This variant has not been reported in the literature in individuals affected with MITF-related conditions. ClinVar contains an entry for this variant (Variation ID: 900477). Invitae Evidence Modeling of protein sequence and biophysical properties (such as structural, functional, and spatial information, amino acid conservation, physicochemical variation, residue mobility, and thermodynamic stability) indicates that this missense variant is not expected to disrupt MITF protein function with a negative predictive value of 80%. In summary, the available evidence is currently insufficient to determine the role of this variant in disease. Therefore, it has been classified as a Variant of Uncertain Significance.

GeneDx
Classification: Likely benign. Last evaluated: 2020-08-05. Review status: criteria provided, single submitter. Criteria: GeneDx Variant Classification Process June 2021. Collection method: clinical testing. Allele origin: germline. Affected: yes.
Comment: In silico analysis, which includes protein predictors and evolutionary conservation, supports that this variant does not alter protein structure/function; Has not been previously published as pathogenic or benign to our knowledge

Illumina Laboratory Services, Illumina
Classification: Uncertain significance for Waardenburg syndrome type 2A. Last evaluated: 2017-04-27. Review status: criteria provided, single submitter. Criteria: ICSL Variant Classification Criteria 13 December 2019. Collection method: clinical testing. Allele origin: germline.

Illumina Laboratory Services, Illumina
Classification: Benign for Tietz syndrome. Last evaluated: 2017-04-27. Review status: criteria provided, single submitter. Criteria: ICSL Variant Classification Criteria 13 December 2019. Collection method: clinical testing. Allele origin: germline.
Comment: This variant was observed as part of a predisposition screen in an ostensibly healthy population. A literature search was performed for the gene, cDNA change, and amino acid change (where applicable). No publications were found based on this search. Allele frequency data from public databases was too high to be consistent with this variant causing disease. Therefore, this variant is classified as benign.